The following is an entry in ClinVar:

ClinVar aggregate classification (germline): Uncertain significance. Review status: criteria provided, multiple submitters, no conflicts (2 of 4 stars). 3 submissions from 3 submitters: Uncertain significance (3). Last evaluated 2024-06-26.

Allele frequency attached by ClinVar (database versions not stated): gnomAD exomes 0.00012 and 0.00041; TOPMed 0.00012; gnomAD 0.00015 and 0.00016; ExAC 0.00017; ESP Exome Variant Server 0.00023.
gnomAD v4.1: 605 of 1,613,932 alleles (0.037%); highest among the groups gnomAD compares: Non-Finnish European, 0.05%; no homozygotes.

Submissions (3):

Blueprint Genetics
Classification: Uncertain significance. Last evaluated: 2024-06-26. Review status: criteria provided, single submitter. Criteria: ACMG Guidelines, 2015. Collection method: clinical testing. Allele origin: germline.

Labcorp Genetics (formerly Invitae), Labcorp
Classification: Uncertain significance. Last evaluated: 2022-10-24. Review status: criteria provided, single submitter. Criteria: Invitae Variant Classification Sherloc (09022015). Collection method: clinical testing. Allele origin: germline.
Comment: This sequence change replaces aspartic acid, which is acidic and polar, with tyrosine, which is neutral and polar, at codon 83 of the DNAJC21 protein (p.Asp83Tyr). This variant is present in population databases (rs201544024, gnomAD 0.03%). This variant has not been reported in the literature in individuals affected with DNAJC21-related conditions. ClinVar contains an entry for this variant (Variation ID: 452422). Algorithms developed to predict the effect of missense changes on protein structure and function are either unavailable or do not agree on the potential impact of this missense change (SIFT: "Deleterious"; PolyPhen-2: "Probably Damaging"; Align-GVGD: "Class C0"). In summary, the available evidence is currently insufficient to determine the role of this variant in disease. Therefore, it has been classified as a Variant of Uncertain Significance.

GeneDx
Classification: Uncertain significance. Last evaluated: 2017-10-03. Review status: criteria provided, single submitter. Criteria: GeneDx Variant Classification (06012015). Collection method: clinical testing. Allele origin: germline. Affected: yes.
Comment: The D83Y variant in the DNAJC21 gene has not been reported previously as a pathogenic variant, nor as a benign variant, to our knowledge. The D83Y variant is observed in 32/126658 (0.025%) alleles from individuals of non-Finnish European background, in the ExAC dataset (Lek et al., 2016). The D83Y variant is a non-conservative amino acid substitution, which is likely to impact secondary protein structure as these residues differ in polarity, charge, size and/or other properties. This substitution occurs at a position that is conserved across species. In silico analysis predicts this variant is probably damaging to the protein structure/function. We interpret D83Y as a variant of uncertain significance.

NM_001012339.3(DNAJC21):c.247G>T (p.Asp83Tyr)

Gene: DNAJC21 (DnaJ heat shock protein family (Hsp40) member C21; plus strand). Cytogenetic location: 5p13.2.
Variant type: single nucleotide variant.
Coding change: c.247G>T on transcript NM_001012339.3 (MANE Select); coding-DNA position 247, G replaced by T.
Protein change: p.Asp83Tyr; replaces aspartic acid 83 with tyrosine.
Molecular consequence: missense variant.
Genome position (GRCh38, 1-based): chr5:34,935,765, G>T. VCF-style: chr5-34935765-G-T. GRCh37 (hg19) VCF-style: chr5-34935870-G-T.
Other names: c.247G>T, p.Asp83Tyr (NM_001348420.2, NM_194283.4); short protein forms D83Y.
Identifiers: ClinVar variation 452422 (VCV000452422.5), dbSNP rs201544024, ClinGen allele CA3228384.